The following is an entry in ClinVar:

ClinVar aggregate classification (germline): Benign/Likely benign. Review status: criteria provided, multiple submitters, no conflicts (2 of 4 stars). 4 submissions from 4 submitters: Benign (1); Likely benign (3). Last evaluated 2026-08-01.

Allele frequency attached by ClinVar (database versions not stated): gnomAD exomes 0.00409; 1000 Genomes Project 30x 0.01421; gnomAD 0.01911 and 0.01971.

Submissions (4):

CeGaT Center for Human Genetics Tuebingen
Classification: Likely benign. Last evaluated: 2026-08-01. Review status: criteria provided, single submitter. Criteria: CeGaT Center For Human Genetics Tuebingen Variant Classification Criteria Version 2. Collection method: clinical testing. Allele origin: germline. Affected: yes. Observed: 11 variant alleles.
Comment: NEFH: BP4, BP7, BS1

Labcorp Genetics (formerly Invitae), Labcorp
Classification: Benign. Last evaluated: 2026-01-08. Review status: criteria provided, single submitter. Criteria: Invitae Variant Classification Sherloc (09022015). Collection method: clinical testing. Allele origin: germline.

GeneDx
Classification: Likely benign. Last evaluated: 2019-03-15. Review status: criteria provided, single submitter. Criteria: GeneDx Variant Classification Process June 2021. Collection method: clinical testing. Allele origin: germline. Affected: yes.

Breakthrough Genomics
Classification: Likely benign. Review status: criteria provided, single submitter. Criteria: ACMG Guidelines, 2015. Collection method: not provided. Allele origin: germline. Inheritance: Autosomal recessive inheritance. Affected: yes.

NM_021076.4(NEFH):c.2019A>G (p.Glu673=)

Gene: NEFH (neurofilament heavy chain; plus strand). Cytogenetic location: 22q12.2.
Variant type: single nucleotide variant.
Coding change: c.2019A>G on transcript NM_021076.4 (MANE Select); coding-DNA position 2019, A replaced by G.
Protein change: p.Glu673=; no amino-acid change (glutamic acid 673 retained).
Molecular consequence: synonymous variant.
Genome position (GRCh38, 1-based): chr22:29,489,659, A>G. VCF-style: chr22-29489659-A-G. GRCh37 (hg19) VCF-style: chr22-29885648-A-G.
Identifiers: ClinVar variation 1223555 (VCV001223555.14), dbSNP rs746048017, ClinGen allele CA10174338.